The following is an entry in ClinVar:

NM_004064.5(CDKN1B):c.347C>T (p.Ala116Val)

Gene: CDKN1B (cyclin dependent kinase inhibitor 1B; plus strand). Cytogenetic location: 12p13.1.
Variant type: single nucleotide variant.
Coding change: c.347C>T on transcript NM_004064.5 (MANE Select); coding-DNA position 347, C replaced by T.
Protein change: p.Ala116Val; replaces alanine 116 with valine.
Molecular consequence: missense variant.
Genome position (GRCh38, 1-based): chr12:12,718,186, C>T. VCF-style: chr12-12718186-C-T. GRCh37 (hg19) VCF-style: chr12-12871120-C-T.
Other names: short protein forms A116V.
Identifiers: ClinVar variation 966437 (VCV000966437.13), dbSNP rs1041108422, ClinGen allele CA233060323.

ClinVar aggregate classification (germline): Conflicting classifications of pathogenicity. Review status: criteria provided, conflicting classifications (1 of 4 stars). 3 submissions from 3 submitters: Uncertain significance (2); Likely benign (1). Last evaluated 2025-08-07.

Conditions:
Hereditary cancer-predisposing syndrome. Also called: Hereditary neoplastic syndrome; Hereditary Cancer Syndrome; Tumor predisposition; Neoplastic Syndromes, Hereditary. Identifiers: Orphanet 140162, MedGen C0027672, MeSH D009386, MONDO:0015356.
Multiple endocrine neoplasia type 4. Also called: MULTIPLE ENDOCRINE NEOPLASIA, TYPE IV. Identifiers: Orphanet 276152, MedGen C1970712, MONDO:0012552, OMIM 610755.
CDKN1B-related disorder. Also called: CDKN1B-related condition.

Allele frequency attached by ClinVar (database versions not stated): gnomAD exomes below 0.00001 and 0.00001; gnomAD 0.00002; TOPMed 0.00003.

Submissions (3):

Labcorp Genetics (formerly Invitae), Labcorp
Classification: Uncertain significance for Multiple endocrine neoplasia type 4. Last evaluated: 2025-08-07. Review status: criteria provided, single submitter. Criteria: Invitae Variant Classification Sherloc (09022015). Collection method: clinical testing. Allele origin: germline.
Comment: This sequence change replaces alanine, which is neutral and non-polar, with valine, which is neutral and non-polar, at codon 116 of the CDKN1B protein (p.Ala116Val). This variant is present in population databases (no rsID available, gnomAD 0.01%). This variant has not been reported in the literature in individuals affected with CDKN1B-related conditions. ClinVar contains an entry for this variant (Variation ID: 966437). An algorithm developed to predict the effect of missense changes on protein structure and function outputs the following: PolyPhen-2: "Benign". The valine amino acid residue is found in multiple mammalian species, which suggests that this missense change does not adversely affect protein function. In summary, the available evidence is currently insufficient to determine the role of this variant in disease. Therefore, it has been classified as a Variant of Uncertain Significance.

PreventionGenetics, part of Exact Sciences
Classification: Uncertain significance for CDKN1B-related condition. Last evaluated: 2023-03-23. Review status: criteria provided, single submitter. Criteria: ACMG Guidelines, 2015. Collection method: clinical testing. Allele origin: germline.
Comment: The CDKN1B c.347C>T variant is predicted to result in the amino acid substitution p.Ala116Val. To our knowledge, this variant has not been reported in the literature. This variant is reported in 0.013% of alleles in individuals of African descent in gnomAD. At this time, the clinical significance of this variant is uncertain due to the absence of conclusive functional and genetic evidence.

Ambry Genetics
Classification: Likely benign for Hereditary cancer-predisposing syndrome. Last evaluated: 2020-06-15. Review status: criteria provided, single submitter. Criteria: Ambry Variant Classification Scheme 2023. Collection method: clinical testing. Allele origin: germline.